The following is an entry in ClinVar:

ClinVar aggregate classification (germline): Uncertain significance (1 of 4 stars; one submission).

Allele frequency attached by ClinVar (database versions not stated): gnomAD exomes below 0.00001; ExAC 0.00001.
gnomAD v4.1: 6 of 1,613,514 alleles (0.00037%); highest among the groups gnomAD compares: South Asian, 0.0011%; no homozygotes.

Submission:

Centre of Medical Genetics, University Hospital Muenster
Classification: Uncertain significance. Last evaluated: 2021-12-13. Review status: criteria provided, single submitter. Criteria: ACMG Guidelines, 2015. Collection method: clinical testing. Allele origin: unknown. Affected: yes. Observed: 1 variant allele, 1 heterozygote.
Comment: ACMG categories: PM2,PP3

NM_017950.4(CCDC40):c.2235G>A (p.Gly745=)

Gene: CCDC40 (coiled-coil domain 40 molecular ruler complex subunit; plus strand). Cytogenetic location: 17q25.3.
Variant type: single nucleotide variant.
Coding change: c.2235G>A on transcript NM_017950.4 (MANE Select); coding-DNA position 2235, G replaced by A.
Protein change: p.Gly745=; no amino-acid change (glycine 745 retained).
Molecular consequence: synonymous variant.
Genome position (GRCh38, 1-based): chr17:80,084,988, G>A. VCF-style: chr17-80084988-G-A. GRCh37 (hg19) VCF-style: chr17-78058787-G-A.
Other names: c.2235G>A, p.Gly745= (NM_001243342.2).
Identifiers: ClinVar variation 1708431 (VCV001708431.2), dbSNP rs751821953, ClinGen allele CA8814138.